The following is an entry in ClinVar:

ClinVar aggregate classification (germline): Uncertain significance (1 of 4 stars; one submission).

Conditions:
Familial sleep-related hypermotor epilepsy. Also called: Autosomal Dominant Sleep-Related Hypermotor (Hyperkinetic) Epilepsy. Identifiers: Orphanet 98784, MedGen C3696898, MONDO:0000030.

gnomAD v4.1: 3 of 1,479,170 alleles (0.0002%); highest among the groups gnomAD compares: Non-Finnish European, 0.00027%; no homozygotes.

Submission:

Labcorp Genetics (formerly Invitae), Labcorp
Classification: Uncertain significance. Last evaluated: 2023-10-17. Review status: criteria provided, single submitter. Criteria: Invitae Variant Classification Sherloc (09022015). Collection method: clinical testing. Allele origin: germline.
Comment: This sequence change replaces glycine, which is neutral and non-polar, with glutamic acid, which is acidic and polar, at codon 7 of the CHRNA4 protein (p.Gly7Glu). This variant is not present in population databases (gnomAD no frequency). This variant has not been reported in the literature in individuals affected with CHRNA4-related conditions. Experimental studies and prediction algorithms are not available or were not evaluated, and the functional significance of this variant is currently unknown. In summary, the available evidence is currently insufficient to determine the role of this variant in disease. Therefore, it has been classified as a Variant of Uncertain Significance.

NM_000744.7(CHRNA4):c.20G>A (p.Gly7Glu)

Genes: CHRNA4 (cholinergic receptor nicotinic alpha 4 subunit; minus strand), LOC100130587 (uncharacterized LOC100130587; plus strand). Cytogenetic location: 20q13.33.
Variant type: single nucleotide variant.
Coding change: c.20G>A on transcript NM_000744.7 (MANE Select); coding-DNA position 20, G replaced by A.
Protein change: p.Gly7Glu; replaces glycine 7 with glutamic acid.
Molecular consequence: missense variant. On other transcripts: non-coding transcript variant (1), intron variant (1).
Genome position (GRCh38, 1-based): chr20:63,361,146, C>T on the plus strand (G>A on the coding strand, the complement: CHRNA4 is on the minus strand). VCF-style: chr20-63361146-C-T. GRCh37 (hg19) VCF-style: chr20-61992498-C-T.
Other names: c.-471+31G>A (NM_001256573.2); short protein forms G7E.
Identifiers: ClinVar variation 2876030 (VCV002876030.3), dbSNP rs1025632281, ClinGen allele CA409644990.